The following is an entry in ClinVar:

ClinVar aggregate classification (germline): Uncertain significance (1 of 4 stars; one submission).

Conditions:
Familial adenomatous polyposis 1 (FAP1). Also called: FAMILIAL ADENOMATOUS POLYPOSIS 1, ATTENUATED; POLYPOSIS, ADENOMATOUS INTESTINAL. Identifiers: MedGen C2713442, MONDO:0021056, OMIM 175100. Disease mechanism: loss of function.

Submission:

Labcorp Genetics (formerly Invitae), Labcorp
Classification: Uncertain significance for Familial adenomatous polyposis 1. Last evaluated: 2021-06-21. Review status: criteria provided, single submitter. Criteria: Invitae Variant Classification Sherloc (09022015). Collection method: clinical testing. Allele origin: germline.
Comment: In summary, the available evidence is currently insufficient to determine the role of this variant in disease. Therefore, it has been classified as a Variant of Uncertain Significance. Algorithms developed to predict the effect of missense changes on protein structure and function are either unavailable or do not agree on the potential impact of this missense change (SIFT: "Tolerated"; PolyPhen-2: "Probably Damaging"; Align-GVGD: "Class C15"). This variant has not been reported in the literature in individuals with APC-related conditions. This variant is not present in population databases (ExAC no frequency). This sequence change replaces cysteine with tyrosine at codon 1502 of the APC protein (p.Cys1502Tyr). The cysteine residue is highly conserved and there is a large physicochemical difference between cysteine and tyrosine.

NM_000038.6(APC):c.4505G>A (p.Cys1502Tyr)

Gene: APC (APC regulator of Wnt signaling pathway; plus strand). Cytogenetic location: 5q22.2.
Variant type: single nucleotide variant.
Coding change: c.4505G>A on transcript NM_000038.6 (MANE Select); coding-DNA position 4505, G replaced by A.
Protein change: p.Cys1502Tyr; replaces cysteine 1502 with tyrosine.
Molecular consequence: missense variant.
Genome position (GRCh38, 1-based): chr5:112,840,099, G>A. VCF-style: chr5-112840099-G-A. GRCh37 (hg19) VCF-style: chr5-112175796-G-A.
Other names: c.4505G>A, p.Cys1502Tyr (NM_001127510.3, NM_001354895.2); c.4451G>A, p.Cys1484Tyr (NM_001127511.3); c.4559G>A, p.Cys1520Tyr (NM_001354896.2); c.4535G>A, p.Cys1512Tyr (NM_001354897.2); c.4430G>A, p.Cys1477Tyr (NM_001354898.2); c.4421G>A, p.Cys1474Tyr (NM_001354899.2); c.4382G>A, p.Cys1461Tyr (NM_001354900.2); c.4328G>A, p.Cys1443Tyr (NM_001354901.2); and 5 more; short protein forms C1376Y, C1401Y, C1411Y, C1461Y, C1512Y, C1219Y, C1342Y, C1443Y.
Identifiers: ClinVar variation 1512906 (VCV001512906.8), dbSNP rs878853446, ClinGen allele CA16031189.